The following is an entry in ClinVar:

ClinVar aggregate classification (germline): Benign. Review status: criteria provided, multiple submitters, no conflicts (2 of 4 stars). 10 submissions from 10 submitters: Benign (8). 2 of the submissions do not count toward it. Last evaluated 2026-02-04.

Conditions:
Hirschsprung disease, susceptibility to, 2. Identifiers: Orphanet 388, MedGen C1838564, MONDO:0010833, OMIM 600155.

Allele frequency attached by ClinVar (database versions not stated): 1000 Genomes Project 0.54473; 1000 Genomes Project 30x 0.54482; TOPMed 0.57425; gnomAD exomes 0.57435; gnomAD 0.57772 and 0.58046; ExAC 0.57990; ESP Exome Variant Server 0.59743.

Submissions (10):

Labcorp Genetics (formerly Invitae), Labcorp
Classification: Benign. Last evaluated: 2026-02-04. Review status: criteria provided, single submitter. Criteria: Invitae Variant Classification Sherloc (09022015). Collection method: clinical testing. Allele origin: germline.

Blueprint Genetics
Classification: Benign. Last evaluated: 2024-11-27. Review status: criteria provided, single submitter. Criteria: ACMG Guidelines, 2015. Collection method: clinical testing. Allele origin: germline.

Mayo Clinic Laboratories, Mayo Clinic
Classification: Benign. Last evaluated: 2020-06-18. Review status: criteria provided, single submitter. Criteria: ACMG Guidelines, 2015. Collection method: clinical testing. Allele origin: germline. Observed: 124 variant alleles.

Illumina Laboratory Services, Illumina
Classification: Benign for Hirschsprung disease, susceptibility to, 2. Last evaluated: 2018-01-13. Review status: criteria provided, single submitter. Criteria: ICSL Variant Classification Criteria 13 December 2019. Collection method: clinical testing. Allele origin: germline.
Comment: This variant was observed in the ICSL laboratory as part of a predisposition screen in an ostensibly healthy population. It had not been previously curated by ICSL or reported in the Human Gene Mutation Database (HGMD: prior to June 1st, 2018), and was therefore a candidate for classification through an automated scoring system. Utilizing variant allele frequency, disease prevalence and penetrance estimates, and inheritance mode, an automated score was calculated to assess if this variant is too frequent to cause the disease. Based on the score and internal cut-off values, a variant classified as benign is not then subjected to further curation. The score for this variant resulted in a classification of benign for this disease.

GeneDx
Classification: Benign. Last evaluated: 2017-05-09. Review status: criteria provided, single submitter. Criteria: GeneDx Variant Classification (06012015). Collection method: clinical testing. Allele origin: germline. Affected: yes.
Comment: This variant is considered likely benign or benign based on one or more of the following criteria: it is a conservative change, it occurs at a poorly conserved position in the protein, it is predicted to be benign by multiple in silico algorithms, and/or has population frequency not consistent with disease.

Laboratory for Molecular Medicine, Mass General Brigham Personalized Medicine
Classification: Benign. Last evaluated: 2014-11-24. Review status: criteria provided, single submitter. Criteria: LMM Criteria. Collection method: clinical testing. Allele origin: germline. Observed: 895 variant alleles.
Comment: Leu367Leu in exon 5 of EDNRB: This variant is not expected to have clinical sign ificance because it does not alter an amino acid residue and is not located with in the splice consensus sequence. It has been identified in 43.5% (1916/4406) of African American chromosomes from a broad population by the NHLBI Exome Sequenc ing Project (dbSNP rs5351).

Breakthrough Genomics
Classification: Benign. Review status: criteria provided, single submitter. Criteria: ACMG Guidelines, 2015. Collection method: not provided. Allele origin: germline. Inheritance: Autosomal recessive inheritance. Affected: yes.

PreventionGenetics, part of Exact Sciences
Classification: Benign. Review status: criteria provided, single submitter. Criteria: ACMG Guidelines, 2015. Collection method: clinical testing. Allele origin: germline.

Diagnostic Laboratory, Department of Genetics, University Medical Center Groningen
Classification: Benign. Review status: no assertion criteria provided. Collection method: clinical testing. Allele origin: germline. Affected: yes. Study: VKGL Data-share Consensus. Not counted in ClinVar's aggregate classification.

Joint Genome Diagnostic Labs from Nijmegen and Maastricht, Radboudumc and MUMC+
Classification: Benign. Review status: no assertion criteria provided. Collection method: clinical testing. Allele origin: germline. Affected: yes. Study: VKGL Data-share Consensus. Not counted in ClinVar's aggregate classification.

NM_001122659.3(EDNRB):c.831A>G (p.Leu277=)

Genes: EDNRB (endothelin receptor type B; minus strand), EDNRB-AS1 (EDNRB antisense RNA 1; plus strand). Cytogenetic location: 13q22.3.
Variant type: single nucleotide variant.
Coding change: c.831A>G on transcript NM_001122659.3 (MANE Select); coding-DNA position 831, A replaced by G.
Protein change: p.Leu277=; no amino-acid change (leucine 277 retained).
Molecular consequence: synonymous variant.
Genome position (GRCh38, 1-based): chr13:77,901,178, T>C on the plus strand (A>G on the coding strand, the complement: EDNRB is on the minus strand). VCF-style: chr13-77901178-T-C. GRCh37 (hg19) VCF-style: chr13-78475313-T-C.
Other names: p.Leu277=; c.831A>G, p.Leu277= (NM_000115.5, NM_003991.4); c.1101A>G, p.Leu367= (NM_001201397.2).
Identifiers: ClinVar variation 226622 (VCV000226622.23), dbSNP rs5351, ClinGen allele CA7012233.